The following is an entry in ClinVar:

ClinVar aggregate classification (germline): Uncertain significance (1 of 4 stars; one submission).

Conditions:
Hereditary nonpolyposis colorectal neoplasms. Identifiers: MedGen C0009405, MeSH D003123.

Submission:

Labcorp Genetics (formerly Invitae), Labcorp
Classification: Uncertain significance for Hereditary nonpolyposis colorectal neoplasms. Last evaluated: 2022-12-15. Review status: criteria provided, single submitter. Criteria: Invitae Variant Classification Sherloc (09022015). Collection method: clinical testing. Allele origin: germline.
Comment: The frequency data for this variant in the population databases (gnomAD) is considered unreliable due to the presence of homologous sequence, such as pseudogenes or paralogs, in the genome. This variant has not been reported in the literature in individuals affected with PMS2-related conditions. Experimental studies and prediction algorithms are not available or were not evaluated, and the functional significance of this variant is currently unknown. In summary, the available evidence is currently insufficient to determine the role of this variant in disease. Therefore, it has been classified as a Variant of Uncertain Significance. This variant, c.2028_2033del, results in the deletion of 2 amino acid(s) of the PMS2 protein (p.Met676_Glu677del), but otherwise preserves the integrity of the reading frame.

NM_000535.7(PMS2):c.2028_2033del (p.Met676_Glu677del)

Gene: PMS2 (PMS1 homolog 2, mismatch repair system component; minus strand). Cytogenetic location: 7p22.1.
Variant type: Deletion.
Coding change: c.2028_2033del on transcript NM_000535.7 (MANE Select); coding-DNA positions 2028 to 2033, 6 bases deleted (GGAAAT; older notation c.2028_2033delGGAAAT).
Protein change: p.Met676_Glu677del.
Molecular consequence: inframe deletion. On other transcripts: non-coding transcript variant (1), intron variant (4), inframe indel (1).
Genome position (GRCh38, 1-based): chr7:5,982,965-5,982,970, ATTTCC deleted on the plus strand (GGAAAT on the coding strand, the reverse complement: PMS2 is on the minus strand); deleting any 6 consecutive bases within chr7:5,982,965-5,982,975 gives the same sequence; the c. name uses the placement nearest the transcript's 3' end. VCF-style (leftmost placement, unchanged base first): chr7-5982964-GATTTCC-G. GRCh37 (hg19) VCF-style: chr7-6022595-GATTTCC-G.
Other names: c.1601+3789_1601+3794del (NM_001406910.1, NM_001406908.1); c.1688+3789_1688+3794del (NM_001406903.1); c.2006+3789_2006+3794del (NM_001406872.1); c.1618_1623delGAAATG, p.Met541_Glu542del (NM_001018040.1); c.1623_1628del, p.Met541_Glu542del (NM_001322003.2, NM_001322004.2, NM_001322005.2 and 14 more transcripts); c.1872_1877del, p.Met624_Glu625del (NM_001322006.2, NM_001406870.1); c.1710_1715del, p.Met570_Glu571del (NM_001322007.2, NM_001322008.2, NM_001406876.1 and 1 more transcripts); c.1467_1472del, p.Met489_Glu490del (NM_001322010.2, NM_001406906.1, NM_001406907.1); and 17 more.
Identifiers: ClinVar variation 2821116 (VCV002821116.3), dbSNP rs2535551383, ClinGen allele CA2739266234.